The following is an entry in ClinVar:

NM_006904.7(PRKDC):c.4019G>A (p.Arg1340Gln)

Gene: PRKDC (protein kinase, DNA-activated, catalytic subunit; minus strand). Cytogenetic location: 8q11.21.
Variant type: single nucleotide variant.
Coding change: c.4019G>A on transcript NM_006904.7 (MANE Select); coding-DNA position 4019, G replaced by A.
Protein change: p.Arg1340Gln; replaces arginine 1340 with glutamine.
Molecular consequence: missense variant.
Genome position (GRCh38, 1-based): chr8:47,890,309, C>T on the plus strand (G>A on the coding strand, the complement: PRKDC is on the minus strand). VCF-style: chr8-47890309-C-T. GRCh37 (hg19) VCF-style: chr8-48802870-C-T.
Other names: c.4019G>A, p.Arg1340Gln (NM_001081640.2); short protein forms R1340Q.
Identifiers: ClinVar variation 2073973 (VCV002073973.3), dbSNP rs1341292239, ClinGen allele CA371148441.

ClinVar aggregate classification (germline): Uncertain significance (1 of 4 stars; one submission).

Conditions:
Severe combined immunodeficiency due to DNA-PKcs deficiency. Also called: IMMUNODEFICIENCY 26 WITH NEUROLOGIC ABNORMALITIES; Immunodeficiency 26 with or without neurologic abnormalities. Identifiers: Orphanet 317425, MedGen C4014833, MONDO:0014423, OMIM 615966.

Allele frequency attached by ClinVar (database versions not stated): gnomAD exomes below 0.00001; gnomAD 0.00001; TOPMed below 0.00001.
gnomAD v4.1: 7 of 1,612,834 alleles (0.00043%); highest among the groups gnomAD compares: East Asian, 0.0022%; no homozygotes.

Submission:

Labcorp Genetics (formerly Invitae), Labcorp
Classification: Uncertain significance for Severe combined immunodeficiency due to DNA-PKcs deficiency. Last evaluated: 2024-05-31. Review status: criteria provided, single submitter. Criteria: Invitae Variant Classification Sherloc (09022015). Collection method: clinical testing. Allele origin: germline.
Comment: This sequence change replaces arginine, which is basic and polar, with glutamine, which is neutral and polar, at codon 1340 of the PRKDC protein (p.Arg1340Gln). This variant is present in population databases (no rsID available, gnomAD 0.06%). This variant has not been reported in the literature in individuals affected with PRKDC-related conditions. ClinVar contains an entry for this variant (Variation ID: 2073973). Advanced modeling of protein sequence and biophysical properties (such as structural, functional, and spatial information, amino acid conservation, physicochemical variation, residue mobility, and thermodynamic stability) performed at Invitae indicates that this missense variant is expected to disrupt PRKDC protein function with a positive predictive value of 80%. In summary, the available evidence is currently insufficient to determine the role of this variant in disease. Therefore, it has been classified as a Variant of Uncertain Significance.